The following is an entry in ClinVar:

NM_015272.5(RPGRIP1L):c.772C>T (p.Gln258Ter)

Gene: RPGRIP1L (RPGRIP1 like; minus strand). Cytogenetic location: 16q12.2.
Variant type: single nucleotide variant.
Coding change: c.772C>T on transcript NM_015272.5 (MANE Select); coding-DNA position 772, C replaced by T.
Protein change: p.Gln258Ter; replaces glutamine 258 with a stop codon.
Molecular consequence: nonsense.
Genome position (GRCh38, 1-based): chr16:53,686,437, G>A on the plus strand (C>T on the coding strand, the complement: RPGRIP1L is on the minus strand). VCF-style: chr16-53686437-G-A. GRCh37 (hg19) VCF-style: chr16-53720349-G-A.
Other names: c.772C>T, p.Gln258Ter (NM_001127897.4, NM_001308334.3, NM_001330538.2); short protein forms Q258*.
Identifiers: ClinVar variation 1072021 (VCV001072021.10), dbSNP rs1970017927, ClinGen allele CA395923737.
Genomic context (GRCh38, chr16:53,686,437, plus strand): 5'-AAAGTATTTTAAACTAATTTTGACCTTATCAAAGTGATATTTCTGTTTTAACATACCTTT[G>A]ATCTGTAGCTTGCTGTTCTCGAAGCTGAAGAAGAGATAACTCAATTTCATTTTCTTTTCT-3'

ClinVar aggregate classification (germline): Pathogenic/Likely pathogenic. Review status: criteria provided, multiple submitters, no conflicts (2 of 4 stars). 2 submissions from 2 submitters: Pathogenic (1); Likely pathogenic (1). Last evaluated 2024-02-24.

Conditions:
Joubert syndrome 7 (JBTS7). Identifiers: Orphanet 220497, MedGen C1969053, MONDO:0012694, OMIM 611560.
Meckel syndrome, type 5 (MKS5). Identifiers: Orphanet 564, MedGen C1969052, MONDO:0012695, OMIM 611561.
COACH syndrome 3. Identifiers: MedGen C5436841, MONDO:0030862, OMIM 619113.
Joubert syndrome. Also called: Familial aplasia of the vermis; CEREBELLOPARENCHYMAL DISORDER IV; JOUBERT-BOLTSHAUSER SYNDROME. Identifiers: Orphanet 475, MedGen C5979921, MONDO:0018772.
Meckel-Gruber syndrome. Also called: Dysencephalia splachnocystica; DYSENCEPHALIA SPLANCHNOCYSTICA; GRUBER SYNDROME. Identifiers: Orphanet 564, MedGen C0265215, MONDO:0018921.

Allele frequency attached by ClinVar (database versions not stated): gnomAD exomes below 0.00001; TOPMed below 0.00001.
gnomAD v4.1: 1 of 1,612,806 alleles (0.000062%); highest among the groups gnomAD compares: Non-Finnish European, 0.000085%; no homozygotes.

Submissions (2):

Fulgent Genetics
Classification: Likely pathogenic for Joubert syndrome 7; Meckel syndrome, type 5; COACH syndrome 3. Last evaluated: 2024-02-24. Review status: criteria provided, single submitter. Criteria: ACMG Guidelines, 2015. Collection method: clinical testing. Allele origin: germline.

Labcorp Genetics (formerly Invitae), Labcorp
Classification: Pathogenic for Joubert syndrome; Meckel-Gruber syndrome. Last evaluated: 2023-10-28. Review status: criteria provided, single submitter. Criteria: Invitae Variant Classification Sherloc (09022015). Collection method: clinical testing. Allele origin: germline.
Comment: This sequence change creates a premature translational stop signal (p.Gln258*) in the RPGRIP1L gene. It is expected to result in an absent or disrupted protein product. Loss-of-function variants in RPGRIP1L are known to be pathogenic (PMID: 17558409). This variant is not present in population databases (gnomAD no frequency). This variant has not been reported in the literature in individuals affected with RPGRIP1L-related conditions. ClinVar contains an entry for this variant (Variation ID: 1072021). For these reasons, this variant has been classified as Pathogenic.

Literature cited by the submitters: PubMed 17558409 (cited by Labcorp Genetics (formerly Invitae), Labcorp).